The following is an entry in ClinVar:

NM_001360016.2(G6PD):c.1292T>G (p.Val431Gly)

Gene: G6PD (glucose-6-phosphate dehydrogenase; minus strand). Cytogenetic location: Xq28.
Variant type: single nucleotide variant.
Coding change: c.1292T>G on transcript NM_001360016.2 (MANE Select); coding-DNA position 1292, T replaced by G.
Protein change: p.Val431Gly; replaces valine 431 with glycine.
Molecular consequence: missense variant.
Genome position (GRCh38, 1-based): chrX:154,532,458, A>C on the plus strand (T>G on the coding strand, the complement: G6PD is on the minus strand). VCF-style: chrX-154532458-A-C. GRCh37 (hg19) VCF-style: chrX-153760673-A-C.
Other names: G6PD Sumare; c.1382T>G, p.Val461Gly (NM_000402.4); c.1292T>G, p.Val431Gly (NM_001042351.3); short protein forms V431G, V461G.
Identifiers: ClinVar variation 1722686 (VCV001722686.2), dbSNP rs2523261999, ClinGen allele CA415233777.

ClinVar aggregate classification (germline): Pathogenic (1 of 4 stars; one submission).

Conditions:
Anemia, nonspherocytic hemolytic, due to G6PD deficiency (CNSHA1). Also called: Hemolytic anemia due to G6PD deficiency; Class I glucose-6-phosphate dehydrogenase deficiency; Favism, susceptibility to; ANEMIA, CONGENITAL, NONSPHEROCYTIC HEMOLYTIC, 1. Identifiers: Orphanet 466026, MedGen C2720289, MONDO:0010480, OMIM 300908.

Submission:

Dunham Lab, University of Washington
Classification: Pathogenic for Anemia, nonspherocytic hemolytic, due to G6PD deficiency. Last evaluated: 2022-08-12. Review status: criteria provided, single submitter. Criteria: Bayesian ACMG Guidelines, 2018. Collection method: curation. Allele origin: de novo. Affected: yes.
Comment: Variant found in unrelated hemizygotes with deficiency and anemia (PS4_M, PP4). In another, not found in mother of hemizygote, so assumed de novo (PM6). Decreased activity in red blood cells of hemizygotes (12-15%) (PS3). Alters dimer interface (PM5). Not found in gnomAD (PM2). Post_P 0.9997 (odds of pathogenicity 28439, Prior_P 0.1).

Literature cited by the submitters: PubMed 14757424; PubMed 9298828.